The following is an entry in ClinVar:

NM_014874.4(MFN2):c.361del (p.Val121fs)

Gene: MFN2 (mitofusin 2; plus strand). Cytogenetic location: 1p36.22.
Variant type: Deletion.
Coding change: c.361del on transcript NM_014874.4 (MANE Select); coding-DNA position 361, one base deleted (G; older notation c.361delG).
Protein change: p.Val121fs; shifts the reading frame from valine 121.
Molecular consequence: frameshift variant.
Genome position (GRCh38, 1-based): chr1:11,996,205, G deleted. VCF-style (leftmost placement, unchanged base first): chr1-11996204-AG-A. GRCh37 (hg19) VCF-style: chr1-12056261-AG-A.
Other names: c.361del, p.Val121fs (NM_001127660.2); short protein forms V121fs.
Identifiers: ClinVar variation 2879563 (VCV002879563.3), dbSNP rs2523010718, ClinGen allele CA2739272307.

ClinVar aggregate classification (germline): Pathogenic (1 of 4 stars; one submission).

Conditions:
Charcot-Marie-Tooth disease type 2. Also called: Charcot-Marie-Tooth type 2. Identifiers: Orphanet 64746, MedGen C0270914, MONDO:0018993.

Submission:

Labcorp Genetics (formerly Invitae), Labcorp
Classification: Pathogenic for Charcot-Marie-Tooth disease type 2. Last evaluated: 2023-12-13. Review status: criteria provided, single submitter. Criteria: Invitae Variant Classification Sherloc (09022015). Collection method: clinical testing. Allele origin: germline.
Comment: This sequence change creates a premature translational stop signal (p.Val121Phefs*16) in the MFN2 gene. It is expected to result in an absent or disrupted protein product. Loss-of-function variants in MFN2 are known to be pathogenic (PMID: 16714318, 16835246, 21715711, 23781337, 26955893). This variant is not present in population databases (gnomAD no frequency). This variant has not been reported in the literature in individuals affected with MFN2-related conditions. For these reasons, this variant has been classified as Pathogenic.

Literature cited by the submitters: PubMed 16714318; PubMed 16835246; PubMed 21715711; PubMed 23781337; PubMed 26955893.